The following is an entry in ClinVar:

Conditions:
Breast-ovarian cancer, familial, susceptibility to, 1 (BROVCA1). Also called: BRCA1 Hereditary Breast and Ovarian Cancer; OVARIAN CANCER, SUSCEPTIBILITY TO. Identifiers: Orphanet 145, MedGen C2676676, MONDO:0011450, OMIM 604370. Disease mechanism: loss of function.

Submission:

Brotman Baty Institute, University of Washington
No classification provided (evidence only). Condition: Breast-ovarian cancer, familial 1. Review status: no classification provided. Collection method: in vitro. Allele origin: not applicable. Functional consequence: functionally_normal.
ClinVar note: "not provided" was previously submitted as the classification for the variant. However, the classification appeared to be based only on an observation of functional data so it was converted to no classification on 2025-07-30.

NM_007294.4(BRCA1):c.5500A>C (p.Thr1834Pro)

Gene: BRCA1 (BRCA1 DNA repair associated; minus strand). Cytogenetic location: 17q21.31.
Variant type: single nucleotide variant.
Coding change: c.5500A>C on transcript NM_007294.4 (MANE Select); coding-DNA position 5500, A replaced by C.
Protein change: p.Thr1834Pro; replaces threonine 1834 with proline.
Molecular consequence: missense variant. On other transcripts: 3 prime UTR variant (1), non-coding transcript variant (1).
Genome position (GRCh38, 1-based): chr17:43,045,770, T>G on the plus strand (A>C on the coding strand, the complement: BRCA1 is on the minus strand). VCF-style: chr17-43045770-T-G. GRCh37 (hg19) VCF-style: chr17-41197787-T-G.
Other names: c.5359A>C, p.Thr1787Pro (NM_001407697.1, NM_001407698.1, NM_001407724.1 and 12 more transcripts); c.5356A>C, p.Thr1786Pro (NM_001407741.1, NM_001407742.1, NM_001407743.1 and 18 more transcripts); c.2191A>C, p.Thr731Pro (NM_001407974.1, NM_001407975.1, NM_001407976.1 and 3 more transcripts); c.2188A>C, p.Thr730Pro (NM_001407979.1, NM_001407980.1, NM_001407981.1 and 11 more transcripts); c.2185A>C, p.Thr729Pro (NM_001408397.1, NM_001408398.1, NM_001408399.1 and 7 more transcripts); c.2182A>C, p.Thr728Pro (NM_001408406.1, NM_001408407.1, NM_001408408.1); c.2074A>C, p.Thr692Pro (NM_001408418.1, NM_001408419.1, NM_001408420.1); c.2071A>C, p.Thr691Pro (NM_001408421.1, NM_001408422.1, NM_001408423.1 and 1 more transcripts); and 74 more; short protein forms T1787P, T1834P, T730P, T1855P, T1763P, T1785P, T1792P, T1793P.
Identifiers: ClinVar variation 868988 (VCV000868988.3), dbSNP rs2050880456, ClinGen allele CA10590310.